The following is an entry in ClinVar:

ClinVar aggregate classification (germline): Uncertain significance (1 of 4 stars; one submission).

Allele frequency attached by ClinVar (database versions not stated): gnomAD exomes 0.00002; TOPMed 0.00004; ESP Exome Variant Server 0.00008.
gnomAD v4.1: 58 of 1,606,558 alleles (0.0036%); highest among the groups gnomAD compares: Non-Finnish European, 0.0046%; no homozygotes.

Submission:

Labcorp Genetics (formerly Invitae), Labcorp
Classification: Uncertain significance. Last evaluated: 2025-10-21. Review status: criteria provided, single submitter. Criteria: Invitae Variant Classification Sherloc (09022015). Collection method: clinical testing. Allele origin: germline.
Comment: This sequence change falls in intron 5 of the SI gene. It does not directly change the encoded amino acid sequence of the SI protein. It affects a nucleotide within the consensus splice site. This variant is present in population databases (rs374498106, gnomAD 0.003%). This variant has not been reported in the literature in individuals affected with SI-related conditions. ClinVar contains an entry for this variant (Variation ID: 1463986). Variants that disrupt the consensus splice site are a relatively common cause of aberrant splicing (PMID: 17576681, 9536098). Algorithms developed to predict the effect of sequence changes on RNA splicing suggest that this variant may disrupt the consensus splice site. In summary, the available evidence is currently insufficient to determine the role of this variant in disease. Therefore, it has been classified as a Variant of Uncertain Significance.

Literature cited by the submitters: PubMed 17576681; PubMed 9536098.

NM_001041.4(SI):c.483+5G>C

Gene: SI (sucrase-isomaltase; minus strand). Cytogenetic location: 3q26.1.
Variant type: single nucleotide variant.
Coding change: c.483+5G>C on transcript NM_001041.4 (MANE Select); 5 bases into the intron after coding-DNA position 483, G replaced by C.
Molecular consequence: intron variant.
Genome position (GRCh38, 1-based): chr3:165,068,717, C>G on the plus strand (G>C on the coding strand, the complement: SI is on the minus strand). VCF-style: chr3-165068717-C-G. GRCh37 (hg19) VCF-style: chr3-164786505-C-G.
Identifiers: ClinVar variation 1463986 (VCV001463986.4), dbSNP rs374498106, ClinGen allele CA2691482.